The following is an entry in ClinVar:

NM_138477.4(CDAN1):c.2352+8C>T

Gene: CDAN1 (codanin 1; minus strand). Cytogenetic location: 15q15.2.
Variant type: single nucleotide variant.
Coding change: c.2352+8C>T on transcript NM_138477.4 (MANE Select); 8 bases into the intron after coding-DNA position 2352, C replaced by T.
Molecular consequence: intron variant.
Genome position (GRCh38, 1-based): chr15:42,729,788, G>A on the plus strand (C>T on the coding strand, the complement: CDAN1 is on the minus strand). VCF-style: chr15-42729788-G-A. GRCh37 (hg19) VCF-style: chr15-43021986-G-A.
Other names: p.?; c.2352+8C>T (LRG_1164t1).
Identifiers: ClinVar variation 262370 (VCV000262370.30), dbSNP rs12594483, ClinGen allele CA7515709.

ClinVar aggregate classification (germline): Benign. Review status: criteria provided, multiple submitters, no conflicts (2 of 4 stars). 8 submissions from 8 submitters: Benign (8). Last evaluated 2026-02-04.

Conditions:
Congenital dyserythropoietic anemia, type I. Also called: Dyserythropoietic anemia, congenital type 1. Identifiers: Orphanet 98869, MedGen C0271933, MONDO:0020337. Disease mechanism: loss of function.
Anemia, congenital dyserythropoietic, type 1a (CDAN1A). Also called: CDAN1-Related Congenital Dyserythropoietic Anemia; DYSERYTHROPOIETIC ANEMIA, CONGENITAL, TYPE Ia. Identifiers: MedGen C5574667, MONDO:0009135, OMIM 224120.

Allele frequency attached by ClinVar (database versions not stated): gnomAD exomes 0.15164 and 0.20881; ExAC 0.22550; gnomAD 0.33508 and 0.34139; ESP Exome Variant Server 0.34889; TOPMed 0.35286; 1000 Genomes Project 0.42412; 1000 Genomes Project 30x 0.43239.
gnomAD v4.1: 274,301 of 1,610,632 alleles (17%); highest among the groups gnomAD compares: African/African-American, 83%; 44,104 homozygotes.

Submissions (8):

Labcorp Genetics (formerly Invitae), Labcorp
Classification: Benign. Last evaluated: 2026-02-04. Review status: criteria provided, single submitter. Criteria: Invitae Variant Classification Sherloc (09022015). Collection method: clinical testing. Allele origin: germline.

ARUP Laboratories, Molecular Genetics and Genomics, ARUP Laboratories
Classification: Benign for Anemia, congenital dyserythropoietic, type 1a. Last evaluated: 2025-07-31. Review status: criteria provided, single submitter. Criteria: ARUP Molecular Germline Variant Investigation Process 2024. Collection method: clinical testing. Allele origin: germline.

Blueprint Genetics
Classification: Benign. Last evaluated: 2024-11-27. Review status: criteria provided, single submitter. Criteria: ACMG Guidelines, 2015. Collection method: clinical testing. Allele origin: germline.

Mayo Clinic Laboratories, Mayo Clinic
Classification: Benign. Last evaluated: 2022-09-06. Review status: criteria provided, single submitter. Criteria: ACMG Guidelines, 2015. Collection method: clinical testing. Allele origin: germline. Observed: 829 variant alleles.

GeneDx
Classification: Benign. Last evaluated: 2021-05-10. Review status: criteria provided, single submitter. Criteria: GeneDx Variant Classification Process June 2021. Collection method: clinical testing. Allele origin: germline. Affected: yes.

Illumina Laboratory Services, Illumina
Classification: Benign for Anemia, congenital dyserythropoietic, type 1a. Last evaluated: 2018-01-12. Review status: criteria provided, single submitter. Criteria: ICSL Variant Classification Criteria 13 December 2019. Collection method: clinical testing. Allele origin: germline.
Comment: This variant was observed in the ICSL laboratory as part of a predisposition screen in an ostensibly healthy population. It had not been previously curated by ICSL or reported in the Human Gene Mutation Database (HGMD: prior to June 1st, 2018), and was therefore a candidate for classification through an automated scoring system. Utilizing variant allele frequency, disease prevalence and penetrance estimates, and inheritance mode, an automated score was calculated to assess if this variant is too frequent to cause the disease. Based on the score and internal cut-off values, a variant classified as benign is not then subjected to further curation. The score for this variant resulted in a classification of benign for this disease.

Breakthrough Genomics
Classification: Benign. Review status: criteria provided, single submitter. Criteria: ACMG Guidelines, 2015. Collection method: not provided. Allele origin: germline. Inheritance: Autosomal recessive inheritance. Affected: yes.

PreventionGenetics, part of Exact Sciences
Classification: Benign. Review status: criteria provided, single submitter. Criteria: ACMG Guidelines, 2015. Collection method: clinical testing. Allele origin: germline.